The following is an entry in ClinVar:

NM_000092.5(COL4A4):c.3680dup (p.Lys1229fs)

Gene: COL4A4 (collagen type IV alpha 4 chain; minus strand). Cytogenetic location: 2q36.3.
Variant type: Duplication.
Coding change: c.3680dup on transcript NM_000092.5 (MANE Select); coding-DNA position 3680, one base duplicated (G; older notation c.3680dupG).
Protein change: p.Lys1229fs; shifts the reading frame from lysine 1229.
Molecular consequence: frameshift variant.
Genome position (GRCh38, 1-based): chr2:227,032,174, C duplicated on the plus strand (G on the coding strand, the reverse complement: COL4A4 is on the minus strand); the first of 2 consecutive C bases (chr2:227,032,174-227,032,175); duplicating either gives the same sequence. VCF-style (leftmost placement, unchanged base first): chr2-227032173-T-TC. GRCh37 (hg19) VCF-style: chr2-227896889-T-TC.
Other names: short protein forms K1229fs.
Identifiers: ClinVar variation 1452593 (VCV001452593.6), dbSNP rs2149980503, ClinGen allele CA2573135354.
Genomic context (GRCh38, chr2:227,032,173, plus strand): 5'-TTATTGAAAGAAGGGCAAAGCATGCTACAGCTTACCTGGGGGTCCTGGGGGACCTTTCTT[T>TC]CCACGAGGACCTGGAGGAGAGATTCCTGGGCTCCCAGGGTCTCCTCTCTCCCCTTTTAGC-3'

ClinVar aggregate classification (germline): Pathogenic (1 of 4 stars; one submission).

Submission:

Labcorp Genetics (formerly Invitae), Labcorp
Classification: Pathogenic. Last evaluated: 2021-07-19. Review status: criteria provided, single submitter. Criteria: Invitae Variant Classification Sherloc (09022015). Collection method: clinical testing. Allele origin: germline.
Comment: For these reasons, this variant has been classified as Pathogenic. This variant has not been reported in the literature in individuals affected with COL4A4-related conditions. This variant is not present in population databases (ExAC no frequency). This sequence change creates a premature translational stop signal (p.Lys1229Glufs*24) in the COL4A4 gene. It is expected to result in an absent or disrupted protein product. Loss-of-function variants in COL4A4 are known to be pathogenic (PMID: 21196518, 24854265, 25307543).

Literature cited by the submitters: PubMed 21196518; PubMed 24854265; PubMed 25307543.